The following is an entry in ClinVar:

ClinVar aggregate classification (germline): Pathogenic (1 of 4 stars; one submission).

Conditions:
Neurofibromatosis, type 1 (NF1). Also called: Peripheral type neurofibromatosis; Neurofibromatosis, type I; VON RECKLINGHAUSEN DISEASE; NEUROFIBROMATOSIS, TYPE I, SOMATIC. Identifiers: Orphanet 636, MedGen C0027831, MONDO:0018975, OMIM 162200. Disease mechanism: loss of function.

Submission:

Labcorp Genetics (formerly Invitae), Labcorp
Classification: Pathogenic for Neurofibromatosis, type 1. Last evaluated: 2023-10-06. Review status: criteria provided, single submitter. Criteria: Invitae Variant Classification Sherloc (09022015). Collection method: clinical testing. Allele origin: germline.
Comment: This variant is a gross deletion of the genomic region encompassing exon(s) 50 of the NF1 gene. This deletion is out-of-frame, and is expected to create a premature termination codon and result in an absent or disrupted protein product. Loss-of-function variants in NF1 are known to be pathogenic (PMID: 10712197, 23913538). A similar copy number variant has been observed in individual(s) with clinical features of neurofibromatosis type 1 (PMID: 26189818). For these reasons, this variant has been classified as Pathogenic.

Literature cited by the submitters: PubMed 10712197; PubMed 23913538; PubMed 26189818.

NC_000017.11:g.(?_31352247)_(31352424_?)del

Gene: NF1 (neurofibromin 1; plus strand). Cytogenetic location: 17q11.2.
Variant type: Deletion.
Identifiers: ClinVar variation 832737 (VCV000832737.3).